The following is an entry in ClinVar:

NM_001379200.1(TBX1):c.1450GCC[1] (p.Ala485del)

Gene: TBX1 (T-box transcription factor 1; plus strand). Cytogenetic location: 22q11.21.
Variant type: Microsatellite.
Coding change: c.1450GCC[1] on transcript NM_001379200.1 (MANE Select); one copy of the 3-base unit GCC starting at c.1450; the reference has two copies in a row; one copy, 3 bases deleted.
Protein change: p.Ala485del; deletes alanine 485.
Molecular consequence: inframe deletion. On other transcripts: intron variant (2).
Genome position (GRCh38, 1-based): chr22:19,766,805-19,766,807, GCC deleted; deleting any 3 consecutive bases within chr22:19,766,802-19,766,807 gives the same sequence; the position shown is the placement nearest the transcript's 3' end. VCF-style (leftmost placement, unchanged base first): chr22-19766801-GGCC-G. GRCh37 (hg19) VCF-style: chr22-19754324-GGCC-G.
Other names: c.1423GCC[1], p.Ala476del (NM_080647.1); c.1009+803_1009+805del (NM_005992.1, NM_080646.2); short protein forms A476del, A485del.
Identifiers: ClinVar variation 4751675 (VCV004751675.1).

ClinVar aggregate classification (germline): Uncertain significance (1 of 4 stars; one submission).

Conditions:
DiGeorge syndrome. Also called: THIRD AND FOURTH PHARYNGEAL POUCH SYNDROME; Catch22. Identifiers: Orphanet 567, MedGen C0012236, MONDO:0008564, OMIM 188400.

Submission:

Labcorp Genetics (formerly Invitae), Labcorp
Classification: Uncertain significance for DiGeorge syndrome. Last evaluated: 2025-09-22. Review status: criteria provided, single submitter. Criteria: Invitae Variant Classification Sherloc (09022015). Collection method: clinical testing. Allele origin: germline.
Comment: This variant, c.1426_1428del, results in the deletion of 1 amino acid(s) of the TBX1 protein (p.Ala476del), but otherwise preserves the integrity of the reading frame. This variant is present in population databases (rs765173550, gnomAD 0.001%). This variant has not been reported in the literature in individuals affected with TBX1-related conditions. Experimental studies and prediction algorithms are not available or were not evaluated, and the functional significance of this variant is currently unknown. In summary, the available evidence is currently insufficient to determine the role of this variant in disease. Therefore, it has been classified as a Variant of Uncertain Significance.